The following is an entry in ClinVar:

NM_001903.5(CTNNA1):c.682T>A (p.Cys228Ser)

Gene: CTNNA1 (catenin alpha 1; plus strand). Cytogenetic location: 5q31.2.
Variant type: single nucleotide variant.
Coding change: c.682T>A on transcript NM_001903.5 (MANE Select); coding-DNA position 682, T replaced by A.
Protein change: p.Cys228Ser; replaces cysteine 228 with serine.
Molecular consequence: missense variant.
Genome position (GRCh38, 1-based): chr5:138,824,623, T>A. VCF-style: chr5-138824623-T-A. GRCh37 (hg19) VCF-style: chr5-138160312-T-A.
Other names: c.682T>A, p.Cys228Ser (NM_001290307.3, NM_001323982.2, NM_001323983.1 and 3 more transcripts); c.373T>A, p.Cys125Ser (NM_001290309.3); c.313T>A, p.Cys105Ser (NM_001290310.3); short protein forms C105S, C125S, C228S.
Identifiers: ClinVar variation 1517460 (VCV001517460.8), dbSNP rs2149775892, ClinGen allele CA361129699.

ClinVar aggregate classification (germline): Uncertain significance (1 of 4 stars; one submission).

gnomAD v4.1: 4 of 1,614,214 alleles (0.00025%); highest among the groups gnomAD compares: Non-Finnish European, 0.00034%; no homozygotes.

Submission:

Labcorp Genetics (formerly Invitae), Labcorp
Classification: Uncertain significance. Last evaluated: 2021-03-18. Review status: criteria provided, single submitter. Criteria: Invitae Variant Classification Sherloc (09022015). Collection method: clinical testing. Allele origin: germline.
Comment: This variant has not been reported in the literature in individuals with CTNNA1-related conditions. In summary, the available evidence is currently insufficient to determine the role of this variant in disease. Therefore, it has been classified as a Variant of Uncertain Significance. Algorithms developed to predict the effect of missense changes on protein structure and function are either unavailable or do not agree on the potential impact of this missense change (SIFT: "Deleterious"; PolyPhen-2: "Benign"; Align-GVGD: "Class C0"). This variant is not present in population databases (ExAC no frequency). This sequence change replaces cysteine with serine at codon 228 of the CTNNA1 protein (p.Cys228Ser). The cysteine residue is highly conserved and there is a moderate physicochemical difference between cysteine and serine.